The following is an entry in ClinVar:

ClinVar aggregate classification (germline): Likely benign (0 of 4 stars; one submission).

Conditions:
CYP4F2-related disorder. Also called: CYP4F2-related condition.

Allele frequency attached by ClinVar (database versions not stated): gnomAD exomes 0.00002; ExAC 0.00007; gnomAD 0.00023; TOPMed 0.00028; 1000 Genomes Project 30x 0.00031; ESP Exome Variant Server 0.00031; 1000 Genomes Project 0.00040.
gnomAD v4.1: 73 of 1,614,158 alleles (0.0045%); highest among the groups gnomAD compares: African/African-American, 0.076%; no homozygotes.

Submission:

PreventionGenetics, part of Exact Sciences
Classification: Likely benign for CYP4F2-related condition. Last evaluated: 2019-07-12. Review status: no assertion criteria provided. Collection method: clinical testing. Allele origin: germline.
Comment: This variant is classified as likely benign based on ACMG/AMP sequence variant interpretation guidelines (Richards et al. 2015 PMID: 25741868, with internal and published modifications).

NM_001082.5(CYP4F2):c.1242C>T (p.Ile414=)

Gene: CYP4F2 (cytochrome P450 family 4 subfamily F member 2; minus strand). Cytogenetic location: 19p13.12.
Variant type: single nucleotide variant.
Coding change: c.1242C>T on transcript NM_001082.5 (MANE Select); coding-DNA position 1242, C replaced by T.
Protein change: p.Ile414=; no amino-acid change (isoleucine 414 retained).
Molecular consequence: synonymous variant.
Genome position (GRCh38, 1-based): chr19:15,879,771, G>A on the plus strand (C>T on the coding strand, the complement: CYP4F2 is on the minus strand). VCF-style: chr19-15879771-G-A. GRCh37 (hg19) VCF-style: chr19-15990581-G-A.
Identifiers: ClinVar variation 3049482 (VCV003049482.2), dbSNP rs143888844, ClinGen allele CA9273721.